The following is an entry in ClinVar:

ClinVar aggregate classification (germline): Uncertain significance. Review status: criteria provided, multiple submitters, no conflicts (2 of 4 stars). 2 submissions from 2 submitters: Uncertain significance (2). Last evaluated 2021-07-09.

Conditions:
Primary ciliary dyskinesia. Also called: Ciliary dyskinesia. Identifiers: Orphanet 244, MedGen C0008780, MONDO:0016575, HP:0012265.

Submissions (2):

Ambry Genetics
Classification: Uncertain significance for Primary ciliary dyskinesia. Last evaluated: 2021-07-09. Review status: criteria provided, single submitter. Criteria: Ambry Variant Classification Scheme 2023. Collection method: clinical testing. Allele origin: germline.

Labcorp Genetics (formerly Invitae), Labcorp
Classification: Uncertain significance for Primary ciliary dyskinesia. Last evaluated: 2021-03-04. Review status: criteria provided, single submitter. Criteria: Invitae Variant Classification Sherloc (09022015). Collection method: clinical testing. Allele origin: germline.
Comment: In summary, the available evidence is currently insufficient to determine the role of this variant in disease. Therefore, it has been classified as a Variant of Uncertain Significance. Algorithms developed to predict the effect of missense changes on protein structure and function are either unavailable or do not agree on the potential impact of this missense change (SIFT: "Deleterious"; PolyPhen-2: "Possibly Damaging"; Align-GVGD: "Class C0"). This variant has not been reported in the literature in individuals with CCDC40-related conditions. This variant is not present in population databases (ExAC no frequency). This sequence change replaces arginine with glycine at codon 946 of the CCDC40 protein (p.Arg946Gly). The arginine residue is highly conserved and there is a moderate physicochemical difference between arginine and glycine.

NM_017950.4(CCDC40):c.2836A>G (p.Arg946Gly)

Gene: CCDC40 (coiled-coil domain 40 molecular ruler complex subunit; plus strand). Cytogenetic location: 17q25.3.
Variant type: single nucleotide variant.
Coding change: c.2836A>G on transcript NM_017950.4 (MANE Select); coding-DNA position 2836, A replaced by G.
Protein change: p.Arg946Gly; replaces arginine 946 with glycine.
Molecular consequence: missense variant.
Genome position (GRCh38, 1-based): chr17:80,095,266, A>G. VCF-style: chr17-80095266-A-G. GRCh37 (hg19) VCF-style: chr17-78069065-A-G.
Other names: c.2836A>G (NM_017950.3); short protein forms R946G.
Identifiers: ClinVar variation 1514439 (VCV001514439.9), dbSNP rs2143775943, ClinGen allele CA401354556.